The following is an entry in ClinVar:

NM_001378454.1(ALMS1):c.10763C>T (p.Pro3588Leu)

Gene: ALMS1 (ALMS1 centrosome and basal body associated protein; plus strand). Cytogenetic location: 2p13.1.
Variant type: single nucleotide variant.
Coding change: c.10763C>T on transcript NM_001378454.1 (MANE Select); coding-DNA position 10763, C replaced by T.
Protein change: p.Pro3588Leu; replaces proline 3588 with leucine.
Molecular consequence: missense variant.
Genome position (GRCh38, 1-based): chr2:73,572,640, C>T. VCF-style: chr2-73572640-C-T. GRCh37 (hg19) VCF-style: chr2-73799767-C-T.
Other names: c.10766C>T, p.Pro3589Leu (NM_015120.4); short protein forms P3589L, P3588L.
Identifiers: ClinVar variation 3645454 (VCV003645454.2).

ClinVar aggregate classification (germline): Uncertain significance (1 of 4 stars; one submission).

Conditions:
Alstrom syndrome (ALMS). Identifiers: Orphanet 64, MedGen C0268425, MONDO:0008763, OMIM 203800.

Submission:

Labcorp Genetics (formerly Invitae), Labcorp
Classification: Uncertain significance for Alstrom syndrome. Last evaluated: 2024-08-28. Review status: criteria provided, single submitter. Criteria: Invitae Variant Classification Sherloc (09022015). Collection method: clinical testing. Allele origin: germline.
Comment: This sequence change replaces proline, which is neutral and non-polar, with leucine, which is neutral and non-polar, at codon 3589 of the ALMS1 protein (p.Pro3589Leu). This variant is not present in population databases (gnomAD no frequency). This variant has not been reported in the literature in individuals affected with ALMS1-related conditions. An algorithm developed to predict the effect of missense changes on protein structure and function outputs the following: PolyPhen-2: "Not Available". The leucine amino acid residue is found in multiple mammalian species, which suggests that this missense change does not adversely affect protein function. In summary, the available evidence is currently insufficient to determine the role of this variant in disease. Therefore, it has been classified as a Variant of Uncertain Significance.